The following is an entry in ClinVar:

ClinVar aggregate classification (germline): Uncertain significance (1 of 4 stars; one submission).

Conditions:
Norman-Roberts syndrome (LIS2). Also called: Lissencephaly 2 (Norman-Roberts type). Identifiers: Orphanet 89844, MedGen C0796089, MONDO:0009760, OMIM 257320.
Familial temporal lobe epilepsy 7. Identifiers: Orphanet 101046, MedGen C4225327, MONDO:0014639, OMIM 616436.

Submission:

Labcorp Genetics (formerly Invitae), Labcorp
Classification: Uncertain significance for Familial temporal lobe epilepsy 7; Norman-Roberts syndrome. Last evaluated: 2025-03-30. Review status: criteria provided, single submitter. Criteria: Invitae Variant Classification Sherloc (09022015). Collection method: clinical testing. Allele origin: germline.
Comment: This sequence change replaces tyrosine, which is neutral and polar, with histidine, which is basic and polar, at codon 3118 of the RELN protein (p.Tyr3118His). This variant is not present in population databases (gnomAD no frequency). This variant has not been reported in the literature in individuals affected with RELN-related conditions. Invitae Evidence Modeling of protein sequence and biophysical properties (such as structural, functional, and spatial information, amino acid conservation, physicochemical variation, residue mobility, and thermodynamic stability) indicates that this missense variant is not expected to disrupt RELN protein function with a negative predictive value of 80%. In summary, the available evidence is currently insufficient to determine the role of this variant in disease. Therefore, it has been classified as a Variant of Uncertain Significance.

NM_005045.4(RELN):c.9352T>C (p.Tyr3118His)

Genes: RELN (reelin; minus strand), SLC26A5-AS1 (SLC26A5 antisense RNA 1; plus strand). Cytogenetic location: 7q22.1.
Variant type: single nucleotide variant.
Coding change: c.9352T>C on transcript NM_005045.4 (MANE Select); coding-DNA position 9352, T replaced by C.
Protein change: p.Tyr3118His; replaces tyrosine 3118 with histidine.
Molecular consequence: missense variant.
Genome position (GRCh38, 1-based): chr7:103,495,740, A>G on the plus strand (T>C on the coding strand, the complement: RELN is on the minus strand). VCF-style: chr7-103495740-A-G. GRCh37 (hg19) VCF-style: chr7-103136187-A-G.
Other names: c.9352T>C, p.Tyr3118His (NM_173054.3); short protein forms Y3118H.
Identifiers: ClinVar variation 4783018 (VCV004783018.1).